The following is an entry in ClinVar:

ClinVar aggregate classification (germline): Uncertain significance (1 of 4 stars; one submission).

Conditions:
Neurofibromatosis, type 1 (NF1). Also called: Peripheral type neurofibromatosis; Neurofibromatosis, type I; VON RECKLINGHAUSEN DISEASE; NEUROFIBROMATOSIS, TYPE I, SOMATIC. Identifiers: Orphanet 636, MedGen C0027831, MONDO:0018975, OMIM 162200. Disease mechanism: loss of function.

Submission:

Labcorp Genetics (formerly Invitae), Labcorp
Classification: Uncertain significance for Neurofibromatosis, type 1. Last evaluated: 2022-03-04. Review status: criteria provided, single submitter. Criteria: Invitae Variant Classification Sherloc (09022015). Collection method: clinical testing. Allele origin: germline.
Comment: This sequence change replaces phenylalanine, which is neutral and non-polar, with isoleucine, which is neutral and non-polar, at codon 1346 of the NF1 protein (p.Phe1346Ile). This variant is not present in population databases (gnomAD no frequency). This variant has not been reported in the literature in individuals affected with NF1-related conditions. Advanced modeling of protein sequence and biophysical properties (such as structural, functional, and spatial information, amino acid conservation, physicochemical variation, residue mobility, and thermodynamic stability) performed at Invitae indicates that this missense variant is expected to disrupt NF1 protein function. In summary, the available evidence is currently insufficient to determine the role of this variant in disease. Therefore, it has been classified as a Variant of Uncertain Significance.

NM_001042492.3(NF1):c.4036T>A (p.Phe1346Ile)

Gene: NF1 (neurofibromin 1; plus strand). Cytogenetic location: 17q11.2.
Variant type: single nucleotide variant.
Coding change: c.4036T>A on transcript NM_001042492.3 (MANE Select); coding-DNA position 4036, T replaced by A.
Protein change: p.Phe1346Ile; replaces phenylalanine 1346 with isoleucine.
Molecular consequence: missense variant.
Genome position (GRCh38, 1-based): chr17:31,249,045, T>A. VCF-style: chr17-31249045-T-A. GRCh37 (hg19) VCF-style: chr17-29576063-T-A.
Other names: c.4036T>A, p.Phe1346Ile (NM_000267.4); short protein forms F1346I.
Identifiers: ClinVar variation 1415440 (VCV001415440.6), dbSNP rs2151451451, ClinGen allele CA398994941.